The following is an entry in ClinVar:

ClinVar aggregate classification (germline): Uncertain significance (1 of 4 stars; one submission).

Submission:

Labcorp Genetics (formerly Invitae), Labcorp
Classification: Uncertain significance. Last evaluated: 2025-09-10. Review status: criteria provided, single submitter. Criteria: Invitae Variant Classification Sherloc (09022015). Collection method: clinical testing. Allele origin: germline.
Comment: This sequence change replaces glutamine, which is neutral and polar, with histidine, which is basic and polar, at codon 528 of the ATP1A1 protein (p.Gln528His). This variant is not present in population databases (gnomAD no frequency). This variant has not been reported in the literature in individuals affected with ATP1A1-related conditions. Invitae Evidence Modeling of protein sequence and biophysical properties (such as structural, functional, and spatial information, amino acid conservation, physicochemical variation, residue mobility, and thermodynamic stability) indicates that this missense variant is not expected to disrupt ATP1A1 protein function with a negative predictive value of 95%. In summary, the available evidence is currently insufficient to determine the role of this variant in disease. Therefore, it has been classified as a Variant of Uncertain Significance.

NM_000701.8(ATP1A1):c.1584G>T (p.Gln528His)

Genes: ATP1A1 (ATPase Na+/K+ transporting subunit alpha 1; plus strand), ATP1A1-AS1 (ATP1A1 antisense RNA 1; minus strand). Cytogenetic location: 1p13.1.
Variant type: single nucleotide variant.
Coding change: c.1584G>T on transcript NM_000701.8 (MANE Select); coding-DNA position 1584, G replaced by T.
Protein change: p.Gln528His; replaces glutamine 528 with histidine.
Molecular consequence: missense variant.
Genome position (GRCh38, 1-based): chr1:116,393,647, G>T. VCF-style: chr1-116393647-G-T. GRCh37 (hg19) VCF-style: chr1-116936269-G-T.
Other names: c.1584G>T, p.Gln528His (NM_001160233.2); c.1491G>T, p.Gln497His (NM_001160234.2); short protein forms Q497H, Q528H.
Identifiers: ClinVar variation 4776460 (VCV004776460.1).
Genomic context (GRCh38, chr1:116,393,647, plus strand): 5'-GGGCGCCCCAGAAAGGATCCTAGACCGTTGCAGCTCTATCCTCCTCCACGGCAAGGAGCA[G>T]CCCCTGGATGAGGAGCTGAAAGACGCCTTTCAGAACGCCTATTTGGAGCTGGGGGGCCTC-3'
Protein context (NP_000692.2, residues 518-538): CSSILLHGKE[Gln528His]PLDEELKDAF